The following is an entry in ClinVar:

ClinVar aggregate classification (germline): Benign (1 of 4 stars; one submission).

Allele frequency attached by ClinVar (database versions not stated): 1000 Genomes Project 30x 0.94847; 1000 Genomes Project 0.94968; TOPMed 0.95764.
gnomAD v4.1: 145,911 of 152,318 alleles (96%); highest among the groups gnomAD compares: East Asian, 100%; 69,924 homozygotes.

Submission:

GeneDx
Classification: Benign. Last evaluated: 2018-06-19. Review status: criteria provided, single submitter. Criteria: GeneDx Variant Classification (06012015). Collection method: clinical testing. Allele origin: germline. Affected: yes.
Comment: This variant is considered likely benign or benign based on one or more of the following criteria: it is a conservative change, it occurs at a poorly conserved position in the protein, it is predicted to be benign by multiple in silico algorithms, and/or has population frequency not consistent with disease.

NM_020376.4(PNPLA2):c.187+222T>G

Gene: PNPLA2 (patatin like phospholipase domain containing 2; plus strand). Cytogenetic location: 11p15.5.
Variant type: single nucleotide variant.
Coding change: c.187+222T>G on transcript NM_020376.4 (MANE Select); 222 bases into the intron after coding-DNA position 187, T replaced by G.
Molecular consequence: intron variant.
Genome position (GRCh38, 1-based): chr11:820,127, T>G. VCF-style: chr11-820127-T-G. GRCh37 (hg19) VCF-style: chr11-820127-T-G.
Identifiers: ClinVar variation 667944 (VCV000667944.1), dbSNP rs28592068, ClinGen allele CA216967524.